The following is an entry in ClinVar:

ClinVar aggregate classification (germline): Likely benign (0 of 4 stars; one submission).

Conditions:
ZBTB16-related disorder. Also called: ZBTB16-related condition.

Allele frequency attached by ClinVar (database versions not stated): gnomAD exomes 0.00003; gnomAD 0.00011; TOPMed 0.00017; 1000 Genomes Project 0.00020; 1000 Genomes Project 30x 0.00031.
gnomAD v4.1: 80 of 1,614,238 alleles (0.005%); highest among the groups gnomAD compares: Admixed American, 0.035%; no homozygotes.

Submission:

PreventionGenetics, part of Exact Sciences
Classification: Likely benign for ZBTB16-related condition. Last evaluated: 2019-02-21. Review status: no assertion criteria provided. Collection method: clinical testing. Allele origin: germline.
Comment: This variant is classified as likely benign based on ACMG/AMP sequence variant interpretation guidelines (Richards et al. 2015 PMID: 25741868, with internal and published modifications).

NM_006006.6(ZBTB16):c.207C>T (p.His69=)

Gene: ZBTB16 (zinc finger and BTB domain containing 16; plus strand). Cytogenetic location: 11q23.2.
Variant type: single nucleotide variant.
Coding change: c.207C>T on transcript NM_006006.6 (MANE Select); coding-DNA position 207, C replaced by T.
Protein change: p.His69=; no amino-acid change (histidine 69 retained).
Molecular consequence: synonymous variant.
Genome position (GRCh38, 1-based): chr11:114,063,507, C>T. VCF-style: chr11-114063507-C-T. GRCh37 (hg19) VCF-style: chr11-113934229-C-T.
Other names: c.207C>T, p.His69= (NM_001018011.3, NM_001354750.2, NM_001354751.2 and 1 more transcripts).
Identifiers: ClinVar variation 3049074 (VCV003049074.2), dbSNP rs201372671, ClinGen allele CA6284988.